The following is an entry in ClinVar:

NM_000051.4(ATM):c.5178-1G>A

Gene: ATM (ATM serine/threonine kinase; plus strand). Cytogenetic location: 11q22.3.
Variant type: single nucleotide variant.
Coding change: c.5178-1G>A on transcript NM_000051.4 (MANE Select); the canonical splice acceptor site of the intron before coding-DNA position 5178, G replaced by A.
Molecular consequence: splice acceptor variant.
Genome position (GRCh38, 1-based): chr11:108,301,647, G>A. VCF-style: chr11-108301647-G-A. GRCh37 (hg19) VCF-style: chr11-108172374-G-A.
Other names: c.5178-1G>A (NM_001351834.2).
Identifiers: ClinVar variation 558613 (VCV000558613.19), dbSNP rs1555105579, ClinGen allele CA382542074.

ClinVar aggregate classification (germline): Pathogenic/Likely pathogenic. Review status: criteria provided, multiple submitters, no conflicts (2 of 4 stars). 6 submissions from 6 submitters: Pathogenic (2); Likely pathogenic (3). 1 of the submissions does not count toward it. Last evaluated 2024-01-25.

Conditions:
Ataxia-telangiectasia syndrome (AT). Also called: Ataxia telangiectasia (A-T); Ataxia-telangiectasia, complementation group D; AT, COMPLEMENTATION GROUP C; ATAXIA-TELANGIECTASIA, COMPLEMENTATION GROUP A; Ataxia-telangiectasia, complementation group E; ATAXIA-TELANGIECTASIA, FRESNO VARIANT. Identifiers: Orphanet 100, MedGen C0004135, MONDO:0008840, OMIM 208900.
Familial cancer of breast. Also called: Hereditary breast cancer; BREAST CANCER, FAMILIAL; hereditary breast carcinoma. Identifiers: Orphanet 227535, MedGen C0346153, MONDO:0016419, OMIM 114480. Disease mechanism: loss of function.
Hereditary cancer-predisposing syndrome. Also called: Neoplastic Syndromes, Hereditary; Tumor predisposition; Hereditary Cancer Syndrome; Hereditary neoplastic syndrome. Identifiers: Orphanet 140162, MedGen C0027672, MeSH D009386, MONDO:0015356.

Submissions (6):

Myriad Genetics, Inc.
Classification: Likely pathogenic for Familial cancer of breast. Last evaluated: 2024-01-25. Review status: criteria provided, single submitter. Criteria: Myriad Autosomal Dominant, Autosomal Recessive and X-Linked Classification Criteria (2023). Collection method: clinical testing. Allele origin: unknown.
Comment: This variant is considered likely pathogenic. This variant occurs within a consensus splice junction and is predicted to result in abnormal mRNA splicing of either an out-of-frame exon or an in-frame exon necessary for protein stability and/or normal function.

Labcorp Genetics (formerly Invitae), Labcorp
Classification: Pathogenic for Ataxia-telangiectasia syndrome. Last evaluated: 2023-10-29. Review status: criteria provided, single submitter. Criteria: Invitae Variant Classification Sherloc (09022015). Collection method: clinical testing. Allele origin: germline.
Comment: This sequence change affects an acceptor splice site in intron 34 of the ATM gene. It is expected to disrupt RNA splicing. Variants that disrupt the donor or acceptor splice site typically lead to a loss of protein function (PMID: 16199547), and loss-of-function variants in ATM are known to be pathogenic (PMID: 23807571, 25614872). This variant is not present in population databases (gnomAD no frequency). Disruption of this splice site has been observed in individual(s) with clinical features of ataxia-telangiectasia (Invitae). In at least one individual the data is consistent with being in trans (on the opposite chromosome) from a pathogenic variant. ClinVar contains an entry for this variant (Variation ID: 558613). Algorithms developed to predict the effect of sequence changes on RNA splicing suggest that this variant may disrupt the consensus splice site. For these reasons, this variant has been classified as Pathogenic.

Revvity Omics, Revvity
Classification: Likely pathogenic for Ataxia-telangiectasia syndrome. Last evaluated: 2023-04-07. Review status: criteria provided, single submitter. Criteria: ACMG Guidelines, 2015. Collection method: clinical testing. Allele origin: germline.

3billion
Classification: Pathogenic for Ataxia-telangiectasia syndrome. Last evaluated: 2023-02-23. Review status: criteria provided, single submitter. Criteria: ACMG Guidelines, 2015. Collection method: clinical testing. Allele origin: unknown. Affected: yes.
Comment: The variant is not observed in the gnomAD v2.1.1 dataset. This variant was predicted to alter splicing and result in a loss or disruption of normal protein function. Multiple pathogenic loss-of-function variants are reported downstream of the variant. The variant has been reported at least twice as pathogenic with clinical assertions and evidence for the classification (ClinVar ID: VCV000558613). Therefore, this variant is classified as Pathogenic according to the recommendation of ACMG/AMP guideline.

Ambry Genetics
Classification: Likely pathogenic for Hereditary cancer-predisposing syndrome. Last evaluated: 2019-12-10. Review status: criteria provided, single submitter. Criteria: Ambry Variant Classification Scheme 2023. Collection method: clinical testing. Allele origin: germline.
Comment: The c.5178-1G>A intronic variant results from a G to A substitution one nucleotide upstream from coding exon 34 of the ATM gene. This nucleotide position is highly conserved in available vertebrate species. Using the BDGP and ESEfinder splice site prediction tools, this alteration is predicted to abolish the native splice acceptor site; however, direct evidence is unavailable. Alterations that disrupt the canonical splice site are expected to cause aberrant splicing, resulting in an abnormal protein or a transcript that is subject to nonsense-mediated mRNA decay. As such, this alteration is classified as likely pathogenic.

Counsyl
Classification: Likely pathogenic for Ataxia-telangiectasia syndrome. Last evaluated: 2018-05-31. Review status: no assertion criteria provided. Collection method: clinical testing. Allele origin: unknown. Not counted in ClinVar's aggregate classification.

Literature cited by the submitters: PubMed 16199547 (cited by Labcorp Genetics (formerly Invitae), Labcorp); PubMed 23807571 (cited by Labcorp Genetics (formerly Invitae), Labcorp); PubMed 25614872 (cited by Labcorp Genetics (formerly Invitae), Labcorp).